The following is an entry in ClinVar:

NM_006662.3(SRCAP):c.2213A>G (p.Lys738Arg)

Gene: SRCAP (Snf2 related CREBBP activator protein; plus strand). Cytogenetic location: 16p11.2.
Variant type: single nucleotide variant.
Coding change: c.2213A>G on transcript NM_006662.3 (MANE Select); coding-DNA position 2213, A replaced by G.
Protein change: p.Lys738Arg; replaces lysine 738 with arginine.
Molecular consequence: missense variant.
Genome position (GRCh38, 1-based): chr16:30,713,290, A>G. VCF-style: chr16-30713290-A-G. GRCh37 (hg19) VCF-style: chr16-30724611-A-G.
Other names: short protein forms K738R.
Identifiers: ClinVar variation 2499386 (VCV002499386.1), dbSNP rs2506635594, ClinGen allele CA395608650.

ClinVar aggregate classification (germline): Uncertain significance (1 of 4 stars; one submission).

Submission:

GeneDx
Classification: Uncertain significance. Last evaluated: 2022-10-13. Review status: criteria provided, single submitter. Criteria: GeneDx Variant Classification Process June 2021. Collection method: clinical testing. Allele origin: germline. Affected: yes.
Comment: Not observed at significant frequency in large population cohorts (gnomAD); In silico analysis supports that this missense variant has a deleterious effect on protein structure/function; Has not been previously published as pathogenic or benign to our knowledge